The following is an entry in ClinVar:

NM_015450.3(POT1):c.1424C>T (p.Pro475Leu)

Gene: POT1 (protection of telomeres 1; minus strand). Cytogenetic location: 7q31.33.
Variant type: single nucleotide variant.
Coding change: c.1424C>T on transcript NM_015450.3 (MANE Select); coding-DNA position 1424, C replaced by T.
Protein change: p.Pro475Leu; replaces proline 475 with leucine.
Molecular consequence: missense variant. On other transcripts: non-coding transcript variant (3).
Genome position (GRCh38, 1-based): chr7:124,835,360, G>A on the plus strand (C>T on the coding strand, the complement: POT1 is on the minus strand). VCF-style: chr7-124835360-G-A. GRCh37 (hg19) VCF-style: chr7-124475414-G-A.
Other names: c.1031C>T, p.Pro344Leu (NM_001042594.2); c.1424C>T (NM_015450.2); short protein forms P475L, P344L.
Identifiers: ClinVar variation 1486112 (VCV001486112.7), dbSNP rs2116444246, ClinGen allele CA369065772.

ClinVar aggregate classification (germline): Uncertain significance. Review status: criteria provided, multiple submitters, no conflicts (2 of 4 stars). 2 submissions from 2 submitters: Uncertain significance (2). Last evaluated 2025-11-04.

Conditions:
Tumor predisposition syndrome 3 (TPDS3). Also called: Melanoma, cutaneous malignant, susceptibility to, 10; LONG TELOMERE SYNDROME, POT1-RELATED; POT1 Tumor Predisposition; Glioma susceptibility 9. Identifiers: Orphanet 618, MedGen C4014476, MONDO:0014368, OMIM 615848.
Hereditary cancer-predisposing syndrome. Also called: Tumor predisposition; Neoplastic Syndromes, Hereditary; Hereditary Cancer Syndrome; Hereditary neoplastic syndrome. Identifiers: Orphanet 140162, MedGen C0027672, MeSH D009386, MONDO:0015356.

Submissions (2):

Ambry Genetics
Classification: Uncertain significance for Hereditary cancer-predisposing syndrome. Last evaluated: 2025-11-04. Review status: criteria provided, single submitter. Criteria: Ambry Variant Classification Scheme 2023. Collection method: clinical testing. Allele origin: germline.
Comment: The p.P475L variant (also known as c.1424C>T), located in coding exon 11 of the POT1 gene, results from a C to T substitution at nucleotide position 1424. The proline at codon 475 is replaced by leucine, an amino acid with similar properties. This amino acid position is highly conserved in available vertebrate species. In addition, this alteration is predicted to be deleterious by in silico analysis. Based on the available evidence, the clinical significance of this variant remains unclear.

Labcorp Genetics (formerly Invitae), Labcorp
Classification: Uncertain significance for Tumor predisposition syndrome 3. Last evaluated: 2021-11-01. Review status: criteria provided, single submitter. Criteria: Invitae Variant Classification Sherloc (09022015). Collection method: clinical testing. Allele origin: germline.
Comment: This sequence change replaces proline, which is neutral and non-polar, with leucine, which is neutral and non-polar, at codon 475 of the POT1 protein (p.Pro475Leu). This variant is not present in population databases (gnomAD no frequency). This variant has not been reported in the literature in individuals affected with POT1-related conditions. Algorithms developed to predict the effect of missense changes on protein structure and function (SIFT, PolyPhen-2, Align-GVGD) all suggest that this variant is likely to be disruptive. Experimental studies have shown that this missense change affects POT1 function (PMID: 28393830). In summary, the available evidence is currently insufficient to determine the role of this variant in disease. Therefore, it has been classified as a Variant of Uncertain Significance.

Literature cited by the submitters: PubMed 28393830 (cited by Labcorp Genetics (formerly Invitae), Labcorp).